The following is an entry in ClinVar:

ClinVar aggregate classification (germline): Uncertain significance (1 of 4 stars; one submission).

Conditions:
Ehlers-Danlos syndrome, kyphoscoliotic type 1 (EDSKSCL1). Also called: EHLERS-DANLOS SYNDROME, TYPE VIA; PLOD1-Related Kyphoscoliotic Ehlers-Danlos Syndrome; EHLERS-DANLOS SYNDROME, OCULAR-SCOLIOTIC TYPE; Ehlers-Danlos syndrome, hydroxylysine-deficient. Identifiers: Orphanet 1900, MedGen C0268342, MONDO:0016002, OMIM 225400. Disease mechanism: loss of function.

Submission:

Labcorp Genetics (formerly Invitae), Labcorp
Classification: Uncertain significance for Ehlers-Danlos syndrome, kyphoscoliotic type 1. Last evaluated: 2021-10-28. Review status: criteria provided, single submitter. Criteria: Invitae Variant Classification Sherloc (09022015). Collection method: clinical testing. Allele origin: germline.
Comment: In summary, the available evidence is currently insufficient to determine the role of this variant in disease. Therefore, it has been classified as a Variant of Uncertain Significance. Algorithms developed to predict the effect of sequence changes on RNA splicing suggest that this variant may create or strengthen a splice site. Algorithms developed to predict the effect of missense changes on protein structure and function are either unavailable or do not agree on the potential impact of this missense change (SIFT: "Tolerated"; PolyPhen-2: "Possibly Damaging"; Align-GVGD: "Class C0"). This variant has not been reported in the literature in individuals affected with PLOD1-related conditions. This variant is not present in population databases (gnomAD no frequency). This sequence change replaces valine, which is neutral and non-polar, with isoleucine, which is neutral and non-polar, at codon 125 of the PLOD1 protein (p.Val125Ile).

NM_000302.4(PLOD1):c.373G>A (p.Val125Ile)

Gene: PLOD1 (procollagen-lysine,2-oxoglutarate 5-dioxygenase 1; plus strand). Cytogenetic location: 1p36.22.
Variant type: single nucleotide variant.
Coding change: c.373G>A on transcript NM_000302.4 (MANE Select); coding-DNA position 373, G replaced by A.
Protein change: p.Val125Ile; replaces valine 125 with isoleucine.
Molecular consequence: missense variant.
Genome position (GRCh38, 1-based): chr1:11,950,427, G>A. VCF-style: chr1-11950427-G-A. GRCh37 (hg19) VCF-style: chr1-12010484-G-A.
Other names: c.514G>A, p.Val172Ile (NM_001316320.2); short protein forms V125I, V172I.
Identifiers: ClinVar variation 1444023 (VCV001444023.6), dbSNP rs984869224, ClinGen allele CA338427117.